The following is an entry in ClinVar:

ClinVar aggregate classification (germline): Uncertain significance (1 of 4 stars; one submission).

gnomAD v4.1: 1 of 1,511,006 alleles (0.000066%); no homozygotes.

Submission:

Labcorp Genetics (formerly Invitae), Labcorp
Classification: Uncertain significance. Last evaluated: 2022-09-01. Review status: criteria provided, single submitter. Criteria: Invitae Variant Classification Sherloc (09022015). Collection method: clinical testing. Allele origin: germline.
Comment: In summary, the available evidence is currently insufficient to determine the role of this variant in disease. Therefore, it has been classified as a Variant of Uncertain Significance. Algorithms developed to predict the effect of missense changes on protein structure and function are either unavailable or do not agree on the potential impact of this missense change (SIFT: "Deleterious"; PolyPhen-2: "Probably Damaging"; Align-GVGD: "Class C0"). ClinVar contains an entry for this variant (Variation ID: 1487927). This variant has not been reported in the literature in individuals affected with OBSL1-related conditions. This variant is not present in population databases (gnomAD no frequency). This sequence change replaces glycine, which is neutral and non-polar, with alanine, which is neutral and non-polar, at codon 1665 of the OBSL1 protein (p.Gly1665Ala).

NM_015311.3(OBSL1):c.4994G>C (p.Gly1665Ala)

Gene: OBSL1 (obscurin like cytoskeletal adaptor 1; minus strand). Cytogenetic location: 2q35.
Variant type: single nucleotide variant.
Coding change: c.4994G>C on transcript NM_015311.3 (MANE Select); coding-DNA position 4994, G replaced by C.
Protein change: p.Gly1665Ala; replaces glycine 1665 with alanine.
Molecular consequence: missense variant.
Genome position (GRCh38, 1-based): chr2:219,553,020, C>G on the plus strand (G>C on the coding strand, the complement: OBSL1 is on the minus strand). VCF-style: chr2-219553020-C-G. GRCh37 (hg19) VCF-style: chr2-220417742-C-G.
Other names: short protein forms G1665A.
Identifiers: ClinVar variation 1487927 (VCV001487927.4), dbSNP rs2106011280, ClinGen allele CA350720727.